The following is an entry in ClinVar:

NM_001035.3(RYR2):c.3491G>A (p.Cys1164Tyr)

Gene: RYR2 (ryanodine receptor 2; plus strand). Cytogenetic location: 1q43.
Variant type: single nucleotide variant.
Coding change: c.3491G>A on transcript NM_001035.3 (MANE Select); coding-DNA position 3491, G replaced by A.
Protein change: p.Cys1164Tyr; replaces cysteine 1164 with tyrosine.
Molecular consequence: missense variant.
Genome position (GRCh38, 1-based): chr1:237,569,212, G>A. VCF-style: chr1-237569212-G-A. GRCh37 (hg19) VCF-style: chr1-237732512-G-A.
Other names: short protein forms C1164Y.
Identifiers: ClinVar variation 4757190 (VCV004757190.1).

ClinVar aggregate classification (germline): Uncertain significance (1 of 4 stars; one submission).

Conditions:
Cardiomyopathy (CMYO). Also called: Cardiomyopathies. Identifiers: Orphanet 167848, MedGen C0878544, MONDO:0004994, HP:0001638. Inheritance: Various modes of inheritance.

Submission:

Color Diagnostics, LLC DBA Color Health
Classification: Uncertain significance for Cardiomyopathy. Last evaluated: 2025-06-23. Review status: criteria provided, single submitter. Criteria: ACMG Guidelines, 2015. Collection method: clinical testing. Allele origin: germline.
Comment: This missense variant replaces cysteine with tyrosine at codon 1164 of the RYR2 protein. Computational prediction is inconclusive regarding the impact of this variant on protein structure and function. To our knowledge, functional studies have not been reported for this variant. This variant has not been reported in individuals affected with RYR2-related disorders in the literature. This variant has not been identified in the general population by the Genome Aggregation Database (gnomAD). The available evidence is insufficient to determine the role of this variant in disease conclusively. Therefore, this variant is classified as a Variant of Uncertain Significance.